The following is an entry in ClinVar:

NM_000890.5(KCNJ5):c.837G>A (p.Glu279=)

Gene: KCNJ5 (potassium inwardly rectifying channel subfamily J member 5; plus strand). Cytogenetic location: 11q24.3.
Variant type: single nucleotide variant.
Coding change: c.837G>A on transcript NM_000890.5 (MANE Select); coding-DNA position 837, G replaced by A.
Protein change: p.Glu279=; no amino-acid change (glutamic acid 279 retained).
Molecular consequence: synonymous variant.
Genome position (GRCh38, 1-based): chr11:128,912,110, G>A. VCF-style: chr11-128912110-G-A. GRCh37 (hg19) VCF-style: chr11-128782005-G-A.
Other names: c.837G>A (LRG_333t1); c.837G>A, p.Glu279= (NM_001354169.2).
Identifiers: ClinVar variation 412767 (VCV000412767.21), dbSNP rs149861510, ClinGen allele CA6357946.

ClinVar aggregate classification (germline): Benign/Likely benign. Review status: criteria provided, multiple submitters, no conflicts (2 of 4 stars). 7 submissions from 7 submitters: Benign (2); Likely benign (4). 1 of the submissions does not count toward it. Last evaluated 2026-01-31.

Conditions:
Cardiovascular phenotype. Identifiers: MedGen CN230736.
KCNJ5-related disorder. Also called: KCNJ5-related condition.
Long QT syndrome (LQTS). Identifiers: MedGen C0023976, MeSH D008133, MONDO:0002442. Disease mechanism: loss of function. Inheritance: Various modes of inheritance.

Allele frequency attached by ClinVar (database versions not stated): gnomAD exomes 0.00009 and 0.00020; 1000 Genomes Project 0.00020; ExAC 0.00022; 1000 Genomes Project 30x 0.00031; gnomAD 0.00078 and 0.00087; ESP Exome Variant Server 0.00085; TOPMed 0.00104.
gnomAD v4.1: 252 of 1,613,634 alleles (0.016%); highest among the groups gnomAD compares: African/African-American, 0.3%; no homozygotes.

Submissions (7):

Labcorp Genetics (formerly Invitae), Labcorp
Classification: Benign for Long QT syndrome. Last evaluated: 2026-01-31. Review status: criteria provided, single submitter. Criteria: Invitae Variant Classification Sherloc (09022015). Collection method: clinical testing. Allele origin: germline.

Women's Health and Genetics/Laboratory Corporation of America, LabCorp
Classification: Benign. Last evaluated: 2024-11-10. Review status: criteria provided, single submitter. Criteria: LabCorp Variant Classification Summary - May 2015. Collection method: clinical testing. Allele origin: germline.

Blueprint Genetics
Classification: Likely benign. Last evaluated: 2024-08-21. Review status: criteria provided, single submitter. Criteria: ACMG Guidelines, 2015. Collection method: clinical testing. Allele origin: germline.

GeneDx
Classification: Likely benign. Last evaluated: 2021-02-05. Review status: criteria provided, single submitter. Criteria: GeneDx Variant Classification Process June 2021. Collection method: clinical testing. Allele origin: germline. Affected: yes.
Comment: This variant is associated with the following publications: (PMID: 29726953)

Ambry Genetics
Classification: Likely benign for Cardiovascular phenotype. Last evaluated: 2019-04-17. Review status: criteria provided, single submitter. Criteria: Ambry Variant Classification Scheme 2023. Collection method: clinical testing. Allele origin: germline.

Breakthrough Genomics
Classification: Likely benign. Review status: criteria provided, single submitter. Criteria: ACMG Guidelines, 2015. Collection method: not provided. Allele origin: germline. Inheritance: Autosomal dominant inheritance. Affected: yes.

PreventionGenetics, part of Exact Sciences
Classification: Likely benign for KCNJ5-related condition. Last evaluated: 2020-09-14. Review status: no assertion criteria provided. Collection method: clinical testing. Allele origin: germline. Not counted in ClinVar's aggregate classification.
Comment: This variant is classified as likely benign based on ACMG/AMP sequence variant interpretation guidelines (Richards et al. 2015 PMID: 25741868, with internal and published modifications).